The following is an entry in ClinVar:

NM_001145809.2(MYH14):c.90G>T (p.Thr30=)

Gene: MYH14 (myosin heavy chain 14; plus strand). Cytogenetic location: 19q13.33.
Variant type: single nucleotide variant.
Coding change: c.90G>T on transcript NM_001145809.2 (MANE Select); coding-DNA position 90, G replaced by T.
Protein change: p.Thr30=; no amino-acid change (threonine 30 retained).
Molecular consequence: synonymous variant.
Genome position (GRCh38, 1-based): chr19:50,210,455, G>T. VCF-style: chr19-50210455-G-T. GRCh37 (hg19) VCF-style: chr19-50713712-G-T.
Other names: c.90G>T, p.Thr30= (NM_001077186.2, NM_024729.4).
Identifiers: ClinVar variation 4681957 (VCV004681957.5).

ClinVar aggregate classification (germline): Likely benign (1 of 4 stars; one submission).

Submission:

CeGaT Center for Human Genetics Tuebingen
Classification: Likely benign. Last evaluated: 2025-12-01. Review status: criteria provided, single submitter. Criteria: CeGaT Center For Human Genetics Tuebingen Variant Classification Criteria Version 2. Collection method: clinical testing. Allele origin: germline. Affected: yes. Observed: 1 variant allele.
Comment: MYH14: BP4, BP7